The following is an entry in ClinVar:

NM_000455.5(STK11):c.598-6C>T

Gene: STK11 (serine/threonine kinase 11; plus strand). Cytogenetic location: 19p13.3.
Variant type: single nucleotide variant.
Coding change: c.598-6C>T on transcript NM_000455.5 (MANE Select); 6 bases into the intron before coding-DNA position 598, C replaced by T.
Molecular consequence: intron variant.
Genome position (GRCh38, 1-based): chr19:1,220,575, C>T. VCF-style: chr19-1220575-C-T. GRCh37 (hg19) VCF-style: chr19-1220574-C-T.
Identifiers: ClinVar variation 1984033 (VCV001984033.6), dbSNP rs2145424973, ClinGen allele CA2580096079.
Genomic context (GRCh38, chr19:1,220,575, plus strand): 5'-TGCTAGGGGGGGCCCTGGGGCGCCCCCTCCCGGGCACTCCCTGAGGGCTGCACGGCACCG[C>T]CACAGGCACTGCACCCGTTCGCGGCGGACGACACCTGCCGGACCAGCCAGGGCTCCCCGG-3'

ClinVar aggregate classification (germline): Likely benign. Review status: criteria provided, multiple submitters, no conflicts (2 of 4 stars). 3 submissions from 3 submitters: Likely benign (3). Last evaluated 2025-03-26.

Conditions:
Peutz-Jeghers syndrome (PJS). Also called: POLYPOSIS, HAMARTOMATOUS INTESTINAL; POLYPS-AND-SPOTS SYNDROME; Peutz-Jeghers polyposis; Periorificial lentiginosis syndrome. Identifiers: Orphanet 2869, MedGen C0031269, MeSH D010580, MONDO:0008280, OMIM 175200.

Allele frequency attached by ClinVar (database versions not stated): gnomAD exomes below 0.00001.
gnomAD v4.1: 1 of 1,580,160 alleles (0.000063%); highest among the groups gnomAD compares: Non-Finnish European, 0.000086%; no homozygotes.

Submissions (3):

Myriad Genetics, Inc.
Classification: Likely benign for Peutz-Jeghers syndrome. Last evaluated: 2025-03-26. Review status: criteria provided, single submitter. Criteria: Myriad Autosomal Dominant, Autosomal Recessive and X-Linked Classification Criteria (2023). Collection method: clinical testing. Allele origin: unknown.
Comment: This variant is considered likely benign. This variant is intronic and is not expected to impact mRNA splicing.

Labcorp Genetics (formerly Invitae), Labcorp
Classification: Likely benign for Peutz-Jeghers syndrome. Last evaluated: 2022-02-27. Review status: criteria provided, single submitter. Criteria: Invitae Variant Classification Sherloc (09022015). Collection method: clinical testing. Allele origin: germline.

Blueprint Genetics
Classification: Likely benign. Last evaluated: 2022-02-03. Review status: criteria provided, single submitter. Criteria: ACMG Guidelines, 2015. Collection method: clinical testing. Allele origin: germline.